The following is an entry in ClinVar:

ClinVar aggregate classification (germline): Benign (1 of 4 stars; one submission).

Submission:

CeGaT Center for Human Genetics Tuebingen
Classification: Benign. Last evaluated: 2026-09-01. Review status: criteria provided, single submitter. Criteria: CeGaT Center For Human Genetics Tuebingen Variant Classification Criteria Version 2. Collection method: clinical testing. Allele origin: germline. Affected: yes. Observed: 23 variant alleles.
Comment: PRKG1: BS1, BS2

NM_006258.4(PRKG1):c.311+39044GT[13]

Gene: PRKG1 (protein kinase cGMP-dependent 1; plus strand). Cytogenetic location: 10q21.1.
Variant type: Microsatellite.
Coding change: c.311+39044GT[13] on transcript NM_006258.4 (MANE Select); 13 copies in a row of the 2-base unit GT starting at c.311+39044; the reference has 21 copies in a row; eight copies, 16 bases deleted.
Molecular consequence: intron variant.
Genome position (GRCh38, 1-based): chr10:51,113,971-51,113,986, GTGTGTGTGTGTGTGT deleted; deleting any 16 consecutive bases within chr10:51,113,945-51,113,986 gives the same sequence; the position shown is the placement nearest the transcript's 3' end. VCF-style (leftmost placement, unchanged base first): chr10-51113944-CGTGTGTGTGTGTGTGT-C. GRCh37 (hg19) VCF-style: chr10-52873704-CGTGTGTGTGTGTGTGT-C.
Other names: c.267-39219GT[13] (NM_001098512.3); c.311+39044GT[13] (NM_001374782.1).
Identifiers: ClinVar variation 4533656 (VCV004533656.6).